The following is an entry in ClinVar:

ClinVar aggregate classification (germline): Uncertain significance (1 of 4 stars; one submission).

Conditions:
Legius syndrome. Identifiers: Orphanet 137605, MedGen C1969623, MONDO:0012669, OMIM 611431. Disease mechanism: loss of function.

Submission:

Labcorp Genetics (formerly Invitae), Labcorp
Classification: Uncertain significance for Legius syndrome. Last evaluated: 2024-12-20. Review status: criteria provided, single submitter. Criteria: Invitae Variant Classification Sherloc (09022015). Collection method: clinical testing. Allele origin: germline.
Comment: This sequence change replaces arginine, which is basic and polar, with cysteine, which is neutral and slightly polar, at codon 257 of the SPRED1 protein (p.Arg257Cys). This variant is present in population databases (no rsID available, gnomAD 0.0009%). This variant has not been reported in the literature in individuals affected with SPRED1-related conditions. Invitae Evidence Modeling of protein sequence and biophysical properties (such as structural, functional, and spatial information, amino acid conservation, physicochemical variation, residue mobility, and thermodynamic stability) indicates that this missense variant is not expected to disrupt SPRED1 protein function with a negative predictive value of 80%. In summary, the available evidence is currently insufficient to determine the role of this variant in disease. Therefore, it has been classified as a Variant of Uncertain Significance.

NM_152594.3(SPRED1):c.769C>T (p.Arg257Cys)

Gene: SPRED1 (sprouty related EVH1 domain containing 1; plus strand). Cytogenetic location: 15q14.
Variant type: single nucleotide variant.
Coding change: c.769C>T on transcript NM_152594.3 (MANE Select); coding-DNA position 769, C replaced by T.
Protein change: p.Arg257Cys; replaces arginine 257 with cysteine.
Molecular consequence: missense variant.
Genome position (GRCh38, 1-based): chr15:38,351,098, C>T. VCF-style: chr15-38351098-C-T. GRCh37 (hg19) VCF-style: chr15-38643299-C-T.
Other names: short protein forms R257C.
Identifiers: ClinVar variation 3668725 (VCV003668725.2).